The following is an entry in ClinVar:

NM_015102.5(NPHP4):c.973G>C (p.Val325Leu)

Gene: NPHP4 (nephrocystin 4; minus strand). Cytogenetic location: 1p36.31.
Variant type: single nucleotide variant.
Coding change: c.973G>C on transcript NM_015102.5 (MANE Select); coding-DNA position 973, G replaced by C.
Protein change: p.Val325Leu; replaces valine 325 with leucine.
Molecular consequence: missense variant. On other transcripts: 5 prime UTR variant (2), non-coding transcript variant (1).
Genome position (GRCh38, 1-based): chr1:5,948,089, C>G on the plus strand (G>C on the coding strand, the complement: NPHP4 is on the minus strand). VCF-style: chr1-5948089-C-G. GRCh37 (hg19) VCF-style: chr1-6008149-C-G.
Other names: c.-394G>C (NM_001291593.2, NM_001291594.2); short protein forms V325L.
Identifiers: ClinVar variation 1992647 (VCV001992647.4), dbSNP rs2523140428, ClinGen allele CA338064484.
Genomic context (GRCh38, chr1:5,948,089, plus strand): 5'-TGCACATCCCCACCCATCCCTGGGGACCCAAGAGACAATACCTGGTCTTGGAAGAGGAGA[C>G]CACTTTCCTGCTGAAGCTAGCTGAGCGCGTCAAGGCCACATCCATCTCAGGCACCAGTAC-3'
Protein context (NP_055917.1, residues 315-335): TRSASFSRKV[Val325Leu]SSSKTSSGSQ

ClinVar aggregate classification (germline): Uncertain significance (1 of 4 stars; one submission).

Conditions:
Nephronophthisis. Also called: Juvenile Nephronophthisis. Identifiers: Orphanet 655, MedGen C0687120, MONDO:0019005, HP:0000090.

Submission:

Labcorp Genetics (formerly Invitae), Labcorp
Classification: Uncertain significance for Nephronophthisis. Last evaluated: 2022-05-10. Review status: criteria provided, single submitter. Criteria: Invitae Variant Classification Sherloc (09022015). Collection method: clinical testing. Allele origin: germline.
Comment: In summary, the available evidence is currently insufficient to determine the role of this variant in disease. Therefore, it has been classified as a Variant of Uncertain Significance. Algorithms developed to predict the effect of missense changes on protein structure and function (SIFT, PolyPhen-2, Align-GVGD) all suggest that this variant is likely to be tolerated. This variant has not been reported in the literature in individuals affected with NPHP4-related conditions. This variant is not present in population databases (gnomAD no frequency). This sequence change replaces valine, which is neutral and non-polar, with leucine, which is neutral and non-polar, at codon 325 of the NPHP4 protein (p.Val325Leu).